The following is an entry in ClinVar:

NM_173630.4(RTTN):c.2355T>C (p.Ser785=)

Gene: RTTN (rotatin; minus strand). Cytogenetic location: 18q22.2.
Variant type: single nucleotide variant.
Coding change: c.2355T>C on transcript NM_173630.4 (MANE Select); coding-DNA position 2355, T replaced by C.
Protein change: p.Ser785=; no amino-acid change (serine 785 retained).
Molecular consequence: synonymous variant. On other transcripts: 5 prime UTR variant (1).
Genome position (GRCh38, 1-based): chr18:70,145,738, A>G on the plus strand (T>C on the coding strand, the complement: RTTN is on the minus strand). VCF-style: chr18-70145738-A-G. GRCh37 (hg19) VCF-style: chr18-67812974-A-G.
Other names: c.-293T>C (NM_001318520.2).
Identifiers: ClinVar variation 212078 (VCV000212078.18), dbSNP rs200600259, ClinGen allele CA205936.

ClinVar aggregate classification (germline): Conflicting classifications of pathogenicity. Review status: criteria provided, conflicting classifications (1 of 4 stars). 5 submissions from 5 submitters: Uncertain significance (1); Likely benign (3). 1 of the submissions does not count toward it. Last evaluated 2025-12-06.

Conditions:
RTTN-related disorder. Also called: RTTN-related condition.

Allele frequency attached by ClinVar (database versions not stated): ExAC 0.00015; 1000 Genomes Project 30x 0.00016; gnomAD exomes 0.00017 and 0.00036; 1000 Genomes Project 0.00020; ESP Exome Variant Server 0.00025; gnomAD 0.00027 and 0.00029; TOPMed 0.00029.
gnomAD v4.1: 556 of 1,613,364 alleles (0.034%); highest among the groups gnomAD compares: Middle Eastern, 0.13%; 1 homozygote.

Submissions (5):

Labcorp Genetics (formerly Invitae), Labcorp
Classification: Likely benign. Last evaluated: 2025-12-06. Review status: criteria provided, single submitter. Criteria: Invitae Variant Classification Sherloc (09022015). Collection method: clinical testing. Allele origin: germline.

Blueprint Genetics
Classification: Likely benign. Last evaluated: 2024-06-03. Review status: criteria provided, single submitter. Criteria: ACMG Guidelines, 2015. Collection method: clinical testing. Allele origin: germline.

GeneDx
Classification: Likely benign. Last evaluated: 2018-12-11. Review status: criteria provided, single submitter. Criteria: GeneDx Variant Classification Process June 2021. Collection method: clinical testing. Allele origin: germline. Affected: yes.

Genetic Services Laboratory, University of Chicago
Classification: Uncertain significance. Last evaluated: 2015-03-11. Review status: criteria provided, single submitter. Criteria: ACMG Guidelines, 2015. Collection method: clinical testing. Allele origin: germline.

PreventionGenetics, part of Exact Sciences
Classification: Likely benign for RTTN-related condition. Last evaluated: 2022-07-14. Review status: no assertion criteria provided. Collection method: clinical testing. Allele origin: germline. Not counted in ClinVar's aggregate classification.
Comment: This variant is classified as likely benign based on ACMG/AMP sequence variant interpretation guidelines (Richards et al. 2015 PMID: 25741868, with internal and published modifications).